The following is an entry in ClinVar:

ClinVar aggregate classification (germline): Benign. Review status: criteria provided, multiple submitters, no conflicts (2 of 4 stars). 8 submissions from 8 submitters: Benign (6). 2 of the submissions do not count toward it. Last evaluated 2026-05-09.

Allele frequency attached by ClinVar (database versions not stated): 1000 Genomes Project 30x 0.02967; 1000 Genomes Project 0.03015; ESP Exome Variant Server 0.04052; gnomAD 0.04127 and 0.04131; TOPMed 0.04234; ExAC 0.05184; gnomAD exomes 0.05474.
gnomAD v4.1: 87,419 of 1,596,772 alleles (5.5%); highest among the groups gnomAD compares: Admixed American, 12%; 3,049 homozygotes.

Submissions (8):

Women's Health and Genetics/Laboratory Corporation of America, LabCorp
Classification: Benign. Last evaluated: 2026-05-09. Review status: criteria provided, single submitter. Criteria: LabCorp Variant Classification Summary - May 2015. Collection method: clinical testing. Allele origin: germline.

Labcorp Genetics (formerly Invitae), Labcorp
Classification: Benign. Last evaluated: 2026-02-04. Review status: criteria provided, single submitter. Criteria: Invitae Variant Classification Sherloc (09022015). Collection method: clinical testing. Allele origin: germline.

Blueprint Genetics
Classification: Benign. Last evaluated: 2024-11-26. Review status: criteria provided, single submitter. Criteria: ACMG Guidelines, 2015. Collection method: clinical testing. Allele origin: germline.

GeneDx
Classification: Benign. Last evaluated: 2016-10-11. Review status: criteria provided, single submitter. Criteria: GeneDx Variant Classification (06012015). Collection method: clinical testing. Allele origin: germline. Affected: yes.
Comment: This variant is considered likely benign or benign based on one or more of the following criteria: it is a conservative change, it occurs at a poorly conserved position in the protein, it is predicted to be benign by multiple in silico algorithms, and/or has population frequency not consistent with disease.

Breakthrough Genomics
Classification: Benign. Review status: criteria provided, single submitter. Criteria: ACMG Guidelines, 2015. Collection method: not provided. Allele origin: germline. Inheritance: Autosomal recessive inheritance. Affected: yes.

PreventionGenetics, part of Exact Sciences
Classification: Benign. Review status: criteria provided, single submitter. Criteria: ACMG Guidelines, 2015. Collection method: clinical testing. Allele origin: germline.

Genome Diagnostics Laboratory, Amsterdam University Medical Center
Classification: Benign. Review status: no assertion criteria provided. Collection method: clinical testing. Allele origin: germline. Affected: yes. Study: VKGL Data-share Consensus. Not counted in ClinVar's aggregate classification.

Joint Genome Diagnostic Labs from Nijmegen and Maastricht, Radboudumc and MUMC+
Classification: Benign. Review status: no assertion criteria provided. Collection method: clinical testing. Allele origin: germline. Affected: yes. Study: VKGL Data-share Consensus. Not counted in ClinVar's aggregate classification.

NM_001854.4(COL11A1):c.1413+18A>T

Gene: COL11A1 (collagen type XI alpha 1 chain; minus strand). Cytogenetic location: 1p21.1.
Variant type: single nucleotide variant.
Coding change: c.1413+18A>T on transcript NM_001854.4 (MANE Select); 18 bases into the intron after coding-DNA position 1413, A replaced by T.
Molecular consequence: intron variant.
Genome position (GRCh38, 1-based): chr1:103,017,802, T>A on the plus strand (A>T on the coding strand, the complement: COL11A1 is on the minus strand). VCF-style: chr1-103017802-T-A. GRCh37 (hg19) VCF-style: chr1-103483358-T-A.
Other names: c.1296+18A>T (NM_001190709.2); c.1449+18A>T (NM_080629.3); c.1065+18A>T (NM_080630.4).
Identifiers: ClinVar variation 258439 (VCV000258439.16), dbSNP rs17461252, ClinGen allele CA974988.